The following is an entry in ClinVar:

NM_002474.3(MYH11):c.3859-14C>A

Genes: MYH11 (myosin heavy chain 11; minus strand), NDE1 (nudE neurodevelopment protein 1; plus strand). Cytogenetic location: 16p13.11.
Variant type: single nucleotide variant.
Coding change: c.3859-14C>A on transcript NM_002474.3 (MANE Select); 14 bases into the intron before coding-DNA position 3859, C replaced by A.
Molecular consequence: intron variant. On other transcripts: 3 prime UTR variant (2).
Genome position (GRCh38, 1-based): chr16:15,725,006, G>T on the plus strand (C>A on the coding strand, the complement: MYH11 is on the minus strand). VCF-style: chr16-15725006-G-T. GRCh37 (hg19) VCF-style: chr16-15818863-G-T.
Other names: c.*755G>T (NM_001143979.2, NM_017668.3); c.3859-14C>A (NM_022844.3); c.3880-14C>A (NM_001040114.2, NM_001040113.2).
Identifiers: ClinVar variation 920416 (VCV000920416.6), dbSNP rs763714252, ClinGen allele CA7921853.

ClinVar aggregate classification (germline): Likely benign. Review status: criteria provided, multiple submitters, no conflicts (2 of 4 stars). 3 submissions from 3 submitters: Likely benign (3). Last evaluated 2024-10-12.

Conditions:
Familial thoracic aortic aneurysm and aortic dissection (TAAD). Also called: Thoracic aortic aneurysms and dissections. Identifiers: Orphanet 91387, MedGen C4707243, MONDO:0019625.
Aortic aneurysm, familial thoracic 4 (AAT4). Also called: AORTIC ANEURYSM/AORTIC DISSECTION AND PATENT DUCTUS ARTERIOSUS. Identifiers: MedGen C1851504, MONDO:0007568, OMIM 132900.

Allele frequency attached by ClinVar (database versions not stated): gnomAD 0.00001; ExAC 0.00002; gnomAD exomes 0.00003.
gnomAD v4.1: 43 of 1,611,902 alleles (0.0027%); highest among the groups gnomAD compares: South Asian, 0.047%; 1 homozygote.

Submissions (3):

Labcorp Genetics (formerly Invitae), Labcorp
Classification: Likely benign for Aortic aneurysm, familial thoracic 4. Last evaluated: 2024-10-12. Review status: criteria provided, single submitter. Criteria: Invitae Variant Classification Sherloc (09022015). Collection method: clinical testing. Allele origin: germline.

All of Us Research Program, National Institutes of Health
Classification: Likely benign for Familial thoracic aortic aneurysm and aortic dissection. Last evaluated: 2023-04-03. Review status: criteria provided, single submitter. Criteria: ACMG Guidelines, 2015. Collection method: clinical testing. Allele origin: germline. Inheritance: Autosomal dominant inheritance. Observed: 1 variant allele, 1 heterozygote.
Comment: This study involves interpretation of variants in research participants for the purpose of population health screening. Participant phenotype was not available at the time of variant classification. Additional details can be found in publication PMID: 35346344, PMCID: PMC8962531

Color Diagnostics, LLC DBA Color Health
Classification: Likely benign for Familial thoracic aortic aneurysm and aortic dissection. Last evaluated: 2018-12-18. Review status: criteria provided, single submitter. Criteria: ACMG Guidelines, 2015. Collection method: clinical testing. Allele origin: germline.